The following is an entry in ClinVar:

ClinVar aggregate classification (germline): Pathogenic (1 of 4 stars; one submission).

Conditions:
Fanconi anemia complementation group O. Also called: RAD51C-Related Fanconi Anemia. Identifiers: Orphanet 84, MedGen C3150653, MONDO:0013248, OMIM 613390.

Submission:

Labcorp Genetics (formerly Invitae), Labcorp
Classification: Pathogenic for Fanconi anemia complementation group O. Last evaluated: 2022-09-03. Review status: criteria provided, single submitter. Criteria: Invitae Variant Classification Sherloc (09022015). Collection method: clinical testing. Allele origin: germline.
Comment: ClinVar contains an entry for this variant (Variation ID: 970283). This variant has not been reported in the literature in individuals affected with RAD51C-related conditions. This variant is not present in population databases (gnomAD no frequency). This sequence change creates a premature translational stop signal (p.Glu92*) in the RAD51C gene. It is expected to result in an absent or disrupted protein product. Loss-of-function variants in RAD51C are known to be pathogenic (PMID: 20400964, 21990120, 24800917). For these reasons, this variant has been classified as Pathogenic. Algorithms developed to predict the effect of sequence changes on RNA splicing suggest that this variant may disrupt the consensus splice site.

Literature cited by the submitters: PubMed 20400964; PubMed 21990120; PubMed 24800917.

NM_058216.3(RAD51C):c.274G>T (p.Glu92Ter)

Gene: RAD51C (RAD51 paralog C; plus strand). Cytogenetic location: 17q22.
Variant type: single nucleotide variant.
Coding change: c.274G>T on transcript NM_058216.3 (MANE Select); coding-DNA position 274, G replaced by T.
Protein change: p.Glu92Ter; replaces glutamic acid 92 with a stop codon.
Molecular consequence: nonsense. On other transcripts: non-coding transcript variant (2).
Genome position (GRCh38, 1-based): chr17:58,695,059, G>T. VCF-style: chr17-58695059-G-T. GRCh37 (hg19) VCF-style: chr17-56772420-G-T.
Other names: c.274G>T, p.Glu92Ter (NM_002876.4); short protein forms E92*.
Identifiers: ClinVar variation 970283 (VCV000970283.8), dbSNP rs765304898, ClinGen allele CA400340725.